The following is an entry in ClinVar:

ClinVar aggregate classification (germline): Uncertain significance. Review status: criteria provided, multiple submitters, no conflicts (2 of 4 stars). 6 submissions from 6 submitters: Uncertain significance (6). Last evaluated 2025-06-29.

Conditions:
LTBP4-related disorder. Also called: LTBP4-related condition.
Cutis laxa with severe pulmonary, gastrointestinal and urinary anomalies. Also called: Cutis laxa, autosomal recessive, type IC; URBAN-RIFKIN-DAVIS SYNDROME; LTBP4-Related Cutis Laxa. Identifiers: Orphanet 221145, MedGen C2750804, MONDO:0013170, OMIM 613177. Disease mechanism: loss of function.

Allele frequency attached by ClinVar (database versions not stated): ExAC 0.00036; gnomAD 0.00038; 1000 Genomes Project 0.00040; gnomAD exomes 0.00042 and 0.00059; TOPMed 0.00046; 1000 Genomes Project 30x 0.00047; ESP Exome Variant Server 0.00047.
gnomAD v4.1: 919 of 1,613,768 alleles (0.057%); highest among the groups gnomAD compares: Non-Finnish European, 0.071%; 1 homozygote.

Submissions (6):

PreventionGenetics, part of Exact Sciences
Classification: Uncertain significance for LTBP4-related condition. Last evaluated: 2025-06-29. Review status: criteria provided, single submitter. Criteria: ACMG Guidelines, 2015. Collection method: clinical testing. Allele origin: germline.
Comment: The LTBP4 c.374T>C variant is predicted to result in the amino acid substitution p.Val125Ala. To our knowledge, this variant has not been reported in the literature. This variant is reported in 0.080% of alleles in individuals of European (Non-Finnish) descent in gnomAD. At this time, the clinical significance of this variant is uncertain due to the absence of conclusive functional and genetic evidence.

Labcorp Genetics (formerly Invitae), Labcorp
Classification: Uncertain significance. Last evaluated: 2025-01-02. Review status: criteria provided, single submitter. Criteria: Invitae Variant Classification Sherloc (09022015). Collection method: clinical testing. Allele origin: germline.
Comment: This sequence change replaces valine, which is neutral and non-polar, with alanine, which is neutral and non-polar, at codon 125 of the LTBP4 protein (p.Val125Ala). This variant is present in population databases (rs200888669, gnomAD 0.08%). This variant has not been reported in the literature in individuals affected with LTBP4-related conditions. ClinVar contains an entry for this variant (Variation ID: 450016). Experimental studies and prediction algorithms are not available or were not evaluated, and the functional significance of this variant is currently unknown. In summary, the available evidence is currently insufficient to determine the role of this variant in disease. Therefore, it has been classified as a Variant of Uncertain Significance.

CeGaT Center for Human Genetics Tuebingen
Classification: Uncertain significance. Last evaluated: 2022-11-01. Review status: criteria provided, single submitter. Criteria: CeGaT Center For Human Genetics Tuebingen Variant Classification Criteria Version 2. Collection method: clinical testing. Allele origin: germline. Affected: yes. Observed: 2 variant alleles.

Fulgent Genetics
Classification: Uncertain significance for Cutis laxa with severe pulmonary, gastrointestinal and urinary anomalies. Last evaluated: 2022-02-10. Review status: criteria provided, single submitter. Criteria: ACMG Guidelines, 2015. Collection method: clinical testing. Allele origin: unknown.

Illumina Laboratory Services, Illumina
Classification: Uncertain significance for Cutis laxa with severe pulmonary, gastrointestinal and urinary anomalies. Last evaluated: 2018-01-12. Review status: criteria provided, single submitter. Criteria: ICSL Variant Classification Criteria 13 December 2019. Collection method: clinical testing. Allele origin: germline.

GeneDx
Classification: Uncertain significance. Last evaluated: 2017-06-19. Review status: criteria provided, single submitter. Criteria: GeneDx Variant Classification (06012015). Collection method: clinical testing. Allele origin: germline. Affected: yes.
Comment: The V125A variant has not been publishedas pathogenic or been reported as benign to our knowledge. Although this substitution occurs at a position that isconserved across species, V125A is a conservative amino acid substitution, which is not likely to impact secondaryprotein structure as these residues share similar properties. In silico analysis is inconsistent in its predictions as towhether or not the variant is damaging to the protein structure/function. The V125A variant is observed in 40/66630(0.06%) alleles from individuals of European (Non-Finnish) ancestry in the ExAC dataset; no homozygousindividuals have been reported (Lek et al., 2016; 1000 Genomes Consortium et al., 2015; Exome Variant Server).

NM_001042545.2(LTBP4):c.284T>C (p.Val95Ala)

Gene: LTBP4 (latent transforming growth factor beta binding protein 4; plus strand). Cytogenetic location: 19q13.2.
Variant type: single nucleotide variant.
Coding change: c.284T>C on transcript NM_001042545.2 (MANE Select); coding-DNA position 284, T replaced by C.
Protein change: p.Val95Ala; replaces valine 95 with alanine.
Molecular consequence: missense variant.
Genome position (GRCh38, 1-based): chr19:40,605,068, T>C. VCF-style: chr19-40605068-T-C. GRCh37 (hg19) VCF-style: chr19-41110974-T-C.
Other names: c.485T>C, p.Val162Ala (NM_001042544.1); c.374T>C, p.Val125Ala (NM_003573.2); short protein forms V125A, V162A, V95A.
Identifiers: ClinVar variation 450016 (VCV000450016.51), dbSNP rs200888669, ClinGen allele CA9448002.